The following is an entry in ClinVar:

ClinVar aggregate classification (germline): Uncertain significance (1 of 4 stars; one submission).

Submission:

Ambry Genetics
Classification: Uncertain significance. Last evaluated: 2026-01-25. Review status: criteria provided, single submitter. Criteria: Ambry Variant Classification Scheme 2023. Collection method: clinical testing. Allele origin: germline.
Comment: The p.S1766G variant (also known as c.5296A>G), located in coding exon 46 of the KIF1B gene, results from an A to G substitution at nucleotide position 5296. The serine at codon 1766 is replaced by glycine, an amino acid with similar properties. This amino acid position is conserved. In addition, this alteration is predicted to be tolerated by in silico analysis. Based on the available evidence, the clinical significance of this variant remains unclear.

NM_001365951.3(KIF1B):c.5434A>G (p.Ser1812Gly)

Gene: KIF1B (kinesin family member 1B; plus strand). Cytogenetic location: 1p36.22.
Variant type: single nucleotide variant.
Coding change: c.5434A>G on transcript NM_001365951.3 (MANE Select); coding-DNA position 5434, A replaced by G.
Protein change: p.Ser1812Gly; replaces serine 1812 with glycine.
Molecular consequence: missense variant.
Genome position (GRCh38, 1-based): chr1:10,376,570, A>G. VCF-style: chr1-10376570-A-G. GRCh37 (hg19) VCF-style: chr1-10436628-A-G.
Other names: c.5434A>G, p.Ser1812Gly (NM_001365952.1); c.5296A>G, p.Ser1766Gly (NM_015074.3); short protein forms S1812G, S1766G.
Identifiers: ClinVar variation 4844667 (VCV004844667.1).